The following is an entry in ClinVar:

ClinVar aggregate classification (germline): Conflicting classifications of pathogenicity. Review status: criteria provided, conflicting classifications (1 of 4 stars). 9 submissions from 9 submitters: Uncertain significance (7); Likely benign (1). 1 of the submissions does not count toward it. Last evaluated 2025-07-27.

Conditions:
Ataxia-telangiectasia syndrome (AT). Also called: Ataxia-telangiectasia, complementation group D; Cerebello-oculocutaneous telangiectasia; Immunodeficiency with ataxia telangiectasia; ATAXIA-TELANGIECTASIA, COMPLEMENTATION GROUP A; ATAXIA-TELANGIECTASIA, FRESNO VARIANT; LOUIS-BAR SYNDROME. Identifiers: Orphanet 100, MedGen C0004135, MONDO:0008840, OMIM 208900.
Familial cancer of breast. Also called: hereditary breast carcinoma; Hereditary breast cancer; BREAST CANCER, FAMILIAL. Identifiers: Orphanet 227535, MedGen C0346153, MONDO:0016419, OMIM 114480. Disease mechanism: loss of function.
Hereditary cancer-predisposing syndrome. Also called: Hereditary neoplastic syndrome; Hereditary Cancer Syndrome; Neoplastic Syndromes, Hereditary; Tumor predisposition. Identifiers: Orphanet 140162, MedGen C0027672, MeSH D009386, MONDO:0015356.

Allele frequency attached by ClinVar (database versions not stated): TOPMed below 0.00001; gnomAD 0.00001; 1000 Genomes Project 30x 0.00016; 1000 Genomes Project 0.00020.
gnomAD v4.1: 6 of 1,613,838 alleles (0.00037%); highest among the groups gnomAD compares: Admixed American, 0.01%; no homozygotes.

Submissions (9):

Labcorp Genetics (formerly Invitae), Labcorp
Classification: Uncertain significance for Ataxia-telangiectasia syndrome. Last evaluated: 2025-07-27. Review status: criteria provided, single submitter. Criteria: Invitae Variant Classification Sherloc (09022015). Collection method: clinical testing. Allele origin: germline.
Comment: This sequence change replaces asparagine, which is neutral and polar, with serine, which is neutral and polar, at codon 1719 of the ATM protein (p.Asn1719Ser). This variant is present in population databases (rs183531638, gnomAD 0.003%). This variant has not been reported in the literature in individuals affected with ATM-related conditions. ClinVar contains an entry for this variant (Variation ID: 421320). Invitae Evidence Modeling of protein sequence and biophysical properties (such as structural, functional, and spatial information, amino acid conservation, physicochemical variation, residue mobility, and thermodynamic stability) indicates that this missense variant is not expected to disrupt ATM protein function with a negative predictive value of 95%. In summary, the available evidence is currently insufficient to determine the role of this variant in disease. Therefore, it has been classified as a Variant of Uncertain Significance.

Color Diagnostics, LLC DBA Color Health
Classification: Uncertain significance for Hereditary cancer-predisposing syndrome. Last evaluated: 2024-03-07. Review status: criteria provided, single submitter. Criteria: ACMG Guidelines, 2015. Collection method: clinical testing. Allele origin: germline.
Comment: This missense variant replaces asparagine with serine at codon 1719 of the ATM protein. Computational prediction suggests that this variant may not impact protein structure and function (internally defined REVEL score threshold <= 0.5, PMID: 27666373). To our knowledge, functional studies have not been reported for this variant. This variant has not been reported in individuals affected with hereditary cancer in the literature. This variant has been identified in 1/251046 chromosomes in the general population by the Genome Aggregation Database (gnomAD). The available evidence is insufficient to determine the role of this variant in disease conclusively. Therefore, this variant is classified as a Variant of Uncertain Significance.

Baylor Genetics
Classification: Uncertain significance for Familial cancer of breast. Last evaluated: 2024-02-20. Review status: criteria provided, single submitter. Criteria: ACMG Guidelines, 2015. Collection method: clinical testing. Allele origin: unknown.

Ambry Genetics
Classification: Likely benign for Hereditary cancer-predisposing syndrome. Last evaluated: 2023-10-03. Review status: criteria provided, single submitter. Criteria: Ambry Variant Classification Scheme 2023. Collection method: clinical testing. Allele origin: germline.

Fulgent Genetics
Classification: Uncertain significance for Familial cancer of breast; Ataxia-telangiectasia syndrome. Last evaluated: 2022-05-13. Review status: criteria provided, single submitter. Criteria: ACMG Guidelines, 2015. Collection method: clinical testing. Allele origin: unknown.

GeneDx
Classification: Uncertain significance. Last evaluated: 2021-12-01. Review status: criteria provided, single submitter. Criteria: GeneDx Variant Classification Process June 2021. Collection method: clinical testing. Allele origin: germline. Affected: yes.
Comment: Not observed at significant frequency in large population cohorts (Lek et al., 2016); In silico analysis supports that this missense variant does not alter protein structure/function; Has not been previously published as a pathogenic or benign germline variant to our knowledge; This variant is associated with the following publications: (PMID: 26933808)

Sema4
Classification: Uncertain significance for Hereditary cancer-predisposing syndrome. Last evaluated: 2021-08-31. Review status: criteria provided, single submitter. Criteria: Sema4 Curation Guidelines. Collection method: curation. Allele origin: germline.
Comment: The ATM c.5156A>G (p.N1719S) variant has not been reported in the literature to our knowledge. It was observed in 1/34588 chromosomes of the Latino subpopulation in the large and broad cohorts of the Genome Aggregation Database (PMID: 32461654). The variant has been reported in ClinVar (Variation ID 421320). Functional studies have not been performed, and in silico predictions of the variant's effect on protein function are inconclusive. The evidence is insufficient to meet ACMG/AMP criteria for classifying the variant as benign or pathogenic. Thus, the clinical significance of this variant is currently uncertain.

AiLife Diagnostics
Classification: Uncertain significance. Last evaluated: 2020-05-13. Review status: criteria provided, single submitter. Criteria: ACMG Guidelines, 2015. Collection method: clinical testing. Allele origin: germline. Affected: yes. Observed: 1 variant allele.

Natera, Inc.
Classification: Uncertain significance for Ataxia-telangiectasia. Last evaluated: 2020-01-22. Review status: no assertion criteria provided. Collection method: clinical testing. Allele origin: germline. Not counted in ClinVar's aggregate classification.

NM_000051.4(ATM):c.5156A>G (p.Asn1719Ser)

Gene: ATM (ATM serine/threonine kinase; plus strand). Cytogenetic location: 11q22.3.
Variant type: single nucleotide variant.
Coding change: c.5156A>G on transcript NM_000051.4 (MANE Select); coding-DNA position 5156, A replaced by G.
Protein change: p.Asn1719Ser; replaces asparagine 1719 with serine.
Molecular consequence: missense variant.
Genome position (GRCh38, 1-based): chr11:108,299,864, A>G. VCF-style: chr11-108299864-A-G. GRCh37 (hg19) VCF-style: chr11-108170591-A-G.
Other names: c.5156A>G, p.Asn1719Ser (NM_001351834.2); short protein forms N1719S.
Identifiers: ClinVar variation 421320 (VCV000421320.32), dbSNP rs183531638, ClinGen allele CA6265636.